The following is an entry in ClinVar:

NM_138295.5(PKD1L1):c.4321C>T (p.Arg1441Ter)

Gene: PKD1L1 (polycystin 1 like 1, transient receptor potential channel interacting; minus strand). Cytogenetic location: 7p12.3.
Variant type: single nucleotide variant.
Coding change: c.4321C>T on transcript NM_138295.5 (MANE Select); coding-DNA position 4321, C replaced by T.
Protein change: p.Arg1441Ter; replaces arginine 1441 with a stop codon.
Molecular consequence: nonsense.
Genome position (GRCh38, 1-based): chr7:47,858,714, G>A on the plus strand (C>T on the coding strand, the complement: PKD1L1 is on the minus strand). VCF-style: chr7-47858714-G-A. GRCh37 (hg19) VCF-style: chr7-47898312-G-A.
Other names: short protein forms R1441*.
Identifiers: ClinVar variation 4978587 (VCV004978587.1), dbSNP rs550723547.

ClinVar aggregate classification (germline): Likely pathogenic (1 of 4 stars; one submission).

Conditions:
PKD1L1-related disorder. Also called: PKD1L1-related condition.

gnomAD v4.1: 5 of 1,613,988 alleles (0.00031%); highest among the groups gnomAD compares: African/African-American, 0.0013%; no homozygotes.

Submission:

PreventionGenetics, part of Exact Sciences
Classification: Likely pathogenic for PKD1L1-related condition. Last evaluated: 2025-01-14. Review status: criteria provided, single submitter. Criteria: ACMG Guidelines, 2015. Collection method: clinical testing. Allele origin: germline.
Comment: The PKD1L1 c.4321C>T variant is predicted to result in premature protein termination (p.Arg1441*). To our knowledge, this variant has not been reported in the literature. This variant is reported in 0.00088% of alleles in individuals of European (non-Finnish) descent in gnomAD. Nonsense variants in PKD1L1 are expected to be pathogenic. This variant is interpreted as likely pathogenic.